The following is an entry in ClinVar:

ClinVar aggregate classification (germline): Uncertain significance (1 of 4 stars; one submission).

Submission:

Greenwood Genetic Center Diagnostic Laboratories, Greenwood Genetic Center
Classification: Uncertain significance. Last evaluated: 2024-07-22. Review status: criteria provided, single submitter. Criteria: ACMG Guidelines, 2015. Collection method: clinical testing. Allele origin: germline. Affected: yes.
Comment: Gene of Uncertain Significance

NM_212558.3(TMEM215):c.535G>C (p.Val179Leu)

Gene: TMEM215 (transmembrane protein 215; plus strand). Cytogenetic location: 9p21.1.
Variant type: single nucleotide variant.
Coding change: c.535G>C on transcript NM_212558.3 (MANE Select); coding-DNA position 535, G replaced by C.
Protein change: p.Val179Leu; replaces valine 179 with leucine.
Molecular consequence: missense variant.
Genome position (GRCh38, 1-based): chr9:32,784,718, G>C. VCF-style: chr9-32784718-G-C. GRCh37 (hg19) VCF-style: chr9-32784716-G-C.
Other names: short protein forms V179L.
Identifiers: ClinVar variation 3765858 (VCV003765858.1).
Genomic context (GRCh38, chr9:32,784,718, plus strand): 5'-TCCAGATACCTGGACGGCTACTGCCCCTCGGGCAGTTCCCTCACCTACAGTGCCTTGGAC[G>C]TCAAGTGCTCAGCAAGGGACAGATCTGAGTGCCCTGAGCCTGAGGATAGCATCTTCTTTG-3'
Protein context (NP_997723.2, residues 169-189): GSSLTYSALD[Val179Leu]KCSARDRSEC